The following is an entry in ClinVar:

NM_001292063.2(OTOG):c.3931G>A (p.Val1311Ile)

Gene: OTOG (otogelin; plus strand). Cytogenetic location: 11p15.1.
Variant type: single nucleotide variant.
Coding change: c.3931G>A on transcript NM_001292063.2 (MANE Select); coding-DNA position 3931, G replaced by A.
Protein change: p.Val1311Ile; replaces valine 1311 with isoleucine.
Molecular consequence: missense variant.
Genome position (GRCh38, 1-based): chr11:17,605,910, G>A. VCF-style: chr11-17605910-G-A. GRCh37 (hg19) VCF-style: chr11-17627457-G-A.
Other names: c.3967G>A, p.Val1323Ile (NM_001277269.2); short protein forms V1311I, V1323I.
Identifiers: ClinVar variation 1302320 (VCV001302320.3), dbSNP rs778865165, ClinGen allele CA5905788.
Genomic context (GRCh38, chr11:17,605,910, plus strand): 5'-TCTGCAGACCCAGATGTGGTGTCCCTGGAGGCAGCAGACAGACCCAACTTCTTCCTTCAC[G>A]TCACAGCCAACGGGTCTCTGGAGCTGGCTAAGTGGCAGGGCCGTGACACCTTCCAACAGC-3'
Protein context (NP_001278992.1, residues 1301-1321): AADRPNFFLH[Val1311Ile]TANGSLELAK

ClinVar aggregate classification (germline): Uncertain significance. Review status: criteria provided, multiple submitters, no conflicts (2 of 4 stars). 2 submissions from 2 submitters: Uncertain significance (2). Last evaluated 2025-09-23.

Allele frequency attached by ClinVar (database versions not stated): gnomAD 0.00001; gnomAD exomes 0.00001; TOPMed 0.00002.
gnomAD v4.1: 15 of 1,550,278 alleles (0.00097%); highest among the groups gnomAD compares: Admixed American, 0.0059%; no homozygotes.

Submissions (2):

Labcorp Genetics (formerly Invitae), Labcorp
Classification: Uncertain significance. Last evaluated: 2025-09-23. Review status: criteria provided, single submitter. Criteria: Invitae Variant Classification Sherloc (09022015). Collection method: clinical testing. Allele origin: germline.
Comment: This sequence change replaces valine, which is neutral and non-polar, with isoleucine, which is neutral and non-polar, at codon 1323 of the OTOG protein (p.Val1323Ile). This variant is present in population databases (rs778865165, gnomAD 0.004%). This variant has not been reported in the literature in individuals affected with OTOG-related conditions. ClinVar contains an entry for this variant (Variation ID: 1302320). An algorithm developed to predict the effect of missense changes on protein structure and function outputs the following: PolyPhen-2: "Benign". The isoleucine amino acid residue is found in multiple mammalian species, which suggests that this missense change does not adversely affect protein function. In summary, the available evidence is currently insufficient to determine the role of this variant in disease. Therefore, it has been classified as a Variant of Uncertain Significance.

GeneDx
Classification: Uncertain significance. Last evaluated: 2019-05-20. Review status: criteria provided, single submitter. Criteria: GeneDx Variant Classification Process June 2021. Collection method: clinical testing. Allele origin: germline. Affected: yes.
Comment: Has not been previously published as pathogenic or benign to our knowledge